The following is an entry in ClinVar:

ClinVar aggregate classification (germline): Pathogenic (1 of 4 stars; one submission).

Conditions:
Duchenne muscular dystrophy (DMD). Also called: Duchenne Muscular Dystrophy (DMD); MUSCULAR DYSTROPHY, PSEUDOHYPERTROPHIC PROGRESSIVE, DUCHENNE TYPE. Identifiers: Orphanet 98896, MedGen C0013264, MONDO:0010679, OMIM 310200.

Submission:

Labcorp Genetics (formerly Invitae), Labcorp
Classification: Pathogenic for Duchenne muscular dystrophy. Last evaluated: 2017-10-14. Review status: criteria provided, single submitter. Criteria: Invitae Variant Classification Sherloc (09022015). Collection method: clinical testing. Allele origin: germline.
Comment: For these reasons, this variant has been classified as Pathogenic. A different deletion of exons 10-44 within this deleted region has been determined to be pathogenic (PMID: 22090376, 18055393, 27206868, 20485447, 12674656). This suggests that these exons are critical for DMD protein function and that other deletions of this region may also be pathogenic. This variant has been observed to segregate with Duchenne muscular dystrophy in a single family (Invitae). This variant is an in-frame deletion of the genomic region encompassing exons 9-44 of the DMD gene. It preserves the integrity of the reading frame.

Literature cited by the submitters: PubMed 22090376; PubMed 18055393; PubMed 27206868; PubMed 20485447; PubMed 12674656.

NC_000023.11:g.(?_32216896)_(32698018_?)del

Genes: MIR3915 (microRNA 3915; minus strand), MIR548F5 (microRNA 548f-5; minus strand), DMD (dystrophin; minus strand). Cytogenetic location: Xp21.1.
Variant type: Deletion.
Identifiers: ClinVar variation 526171 (VCV000526171.8).